The following is an entry in ClinVar:

NM_016107.5(ZFR):c.2294A>T (p.His765Leu)

Gene: ZFR (zinc finger RNA binding protein; minus strand). Cytogenetic location: 5p13.3.
Variant type: single nucleotide variant.
Coding change: c.2294A>T on transcript NM_016107.5 (MANE Select); coding-DNA position 2294, A replaced by T.
Protein change: p.His765Leu; replaces histidine 765 with leucine.
Molecular consequence: missense variant. On other transcripts: non-coding transcript variant (1).
Genome position (GRCh38, 1-based): chr5:32,388,523, T>A on the plus strand (A>T on the coding strand, the complement: ZFR is on the minus strand). VCF-style: chr5-32388523-T-A. GRCh37 (hg19) VCF-style: chr5-32388629-T-A.
Other names: short protein forms H765L.
Identifiers: ClinVar variation 2858918 (VCV002858918.3), dbSNP rs770579451, ClinGen allele CA3221628.
Genomic context (GRCh38, chr5:32,388,523, plus strand): 5'-ACACACCTGTCTTTACCTCCCTCTTTCTTATCATCTCCCTCTTTGTTCTTGTTCTTCTCA[T>A]GTTCAGACAAACTGTCTGAAACGAGTTTTAAAGCACGTTCAGTAATAGAAACAATTTTCT-3'
Protein context (NP_057191.2, residues 755-775): LKLVSDSLSE[His765Leu]EKNKNKEGDD

ClinVar aggregate classification (germline): Uncertain significance (1 of 4 stars; one submission).

Conditions:
Pure or complex autosomal recessive spastic paraplegia. Identifiers: Orphanet 320346, MedGen C5679887, MONDO:0017915.

gnomAD v4.1: 16 of 1,613,986 alleles (0.00099%); highest among the groups gnomAD compares: Non-Finnish European, 0.00093%; no homozygotes.

Submission:

Labcorp Genetics (formerly Invitae), Labcorp
Classification: Uncertain significance for Pure or complex autosomal recessive spastic paraplegia. Last evaluated: 2023-07-07. Review status: criteria provided, single submitter. Criteria: Invitae Variant Classification Sherloc (09022015). Collection method: clinical testing. Allele origin: germline.
Comment: This sequence change replaces histidine, which is basic and polar, with leucine, which is neutral and non-polar, at codon 765 of the ZFR protein (p.His765Leu). This variant is present in population databases (rs770579451, gnomAD 0.01%). This variant has not been reported in the literature in individuals affected with ZFR-related conditions. Experimental studies and prediction algorithms are not available or were not evaluated, and the functional significance of this variant is currently unknown. In summary, the available evidence is currently insufficient to determine the role of this variant in disease. Therefore, it has been classified as a Variant of Uncertain Significance.